The following is an entry in ClinVar:

NM_152558.5(IQCE):c.-2C>T

Genes: IQCE (IQ motif containing E; plus strand), LOC129997827 (ATAC-STARR-seq lymphoblastoid silent region 17880; plus strand). Cytogenetic location: 7p22.3.
Variant type: single nucleotide variant.
Coding change: c.-2C>T on transcript NM_152558.5 (MANE Select); 2 bases upstream of the start codon, C replaced by T.
Molecular consequence: 5 prime UTR variant.
Genome position (GRCh38, 1-based): chr7:2,559,180, C>T. VCF-style: chr7-2559180-C-T. GRCh37 (hg19) VCF-style: chr7-2598814-C-T.
Other names: c.-2C>T (NM_001287499.2, NM_001287500.2, NM_001410865.1); c.-103C>T (NM_001287501.2, NM_001287502.2).
Identifiers: ClinVar variation 3057490 (VCV003057490.2), dbSNP rs1780725652, ClinGen allele CA1683216947.

ClinVar aggregate classification (germline): Likely benign (0 of 4 stars; one submission).

Conditions:
IQCE-related disorder. Also called: IQCE-related condition.

Allele frequency attached by ClinVar (database versions not stated): gnomAD 0.00001.
gnomAD v4.1: 8 of 1,216,670 alleles (0.00066%); highest among the groups gnomAD compares: South Asian, 0.029%; no homozygotes.

Submission:

PreventionGenetics, part of Exact Sciences
Classification: Likely benign for IQCE-related condition. Last evaluated: 2019-02-23. Review status: no assertion criteria provided. Collection method: clinical testing. Allele origin: germline.
Comment: This variant is classified as likely benign based on ACMG/AMP sequence variant interpretation guidelines (Richards et al. 2015 PMID: 25741868, with internal and published modifications).